The following is an entry in ClinVar:

NM_002591.4(PCK1):c.462A>G (p.Ser154=)

Gene: PCK1 (phosphoenolpyruvate carboxykinase 1; plus strand). Cytogenetic location: 20q13.31.
Variant type: single nucleotide variant.
Coding change: c.462A>G on transcript NM_002591.4 (MANE Select); coding-DNA position 462, A replaced by G.
Protein change: p.Ser154=; no amino-acid change (serine 154 retained).
Molecular consequence: synonymous variant.
Genome position (GRCh38, 1-based): chr20:57,562,751, A>G. VCF-style: chr20-57562751-A-G. GRCh37 (hg19) VCF-style: chr20-56137807-A-G.
Identifiers: ClinVar variation 338876 (VCV000338876.18), dbSNP rs1042523, ClinGen allele CA9922019.

ClinVar aggregate classification (germline): Benign. Review status: criteria provided, multiple submitters, no conflicts (2 of 4 stars). 5 submissions from 5 submitters: Benign (5). Last evaluated 2026-02-04.

Conditions:
Phosphoenolpyruvate carboxykinase deficiency, cytosolic (PCKDC). Also called: PCK1 DEFICIENCY, CYTOSOLIC; PEPCK DEFICIENCY, CYTOSOLIC. Identifiers: Orphanet 2880, MedGen C5574905, MONDO:0009866, OMIM 261680.

Allele frequency attached by ClinVar (database versions not stated): 1000 Genomes Project 0.31330; 1000 Genomes Project 30x 0.31839; gnomAD exomes 0.40779 and 0.47259; TOPMed 0.41052; ExAC 0.41110; gnomAD 0.42240 and 0.42809; ESP Exome Variant Server 0.44964.
gnomAD v4.1: 752,639 of 1,610,066 alleles (47%); highest among the groups gnomAD compares: Middle Eastern, 59%; 184,369 homozygotes.

Submissions (5):

Labcorp Genetics (formerly Invitae), Labcorp
Classification: Benign. Last evaluated: 2026-02-04. Review status: criteria provided, single submitter. Criteria: Invitae Variant Classification Sherloc (09022015). Collection method: clinical testing. Allele origin: germline.

Genome-Nilou Lab
Classification: Benign for Phosphoenolpyruvate carboxykinase deficiency, cytosolic. Last evaluated: 2021-09-05. Review status: criteria provided, single submitter. Criteria: ACMG Guidelines, 2015. Collection method: clinical testing. Allele origin: germline. Affected: no.

GeneDx
Classification: Benign. Last evaluated: 2018-10-08. Review status: criteria provided, single submitter. Criteria: GeneDx Variant Classification Process June 2021. Collection method: clinical testing. Allele origin: germline. Affected: yes.

Illumina Laboratory Services, Illumina
Classification: Benign for Phosphoenolpyruvate carboxykinase deficiency, cytosolic. Last evaluated: 2018-01-12. Review status: criteria provided, single submitter. Criteria: ICSL Variant Classification Criteria 13 December 2019. Collection method: clinical testing. Allele origin: germline.
Comment: This variant was observed in the ICSL laboratory as part of a predisposition screen in an ostensibly healthy population. It had not been previously curated by ICSL or reported in the Human Gene Mutation Database (HGMD: prior to June 1st, 2018), and was therefore a candidate for classification through an automated scoring system. Utilizing variant allele frequency, disease prevalence and penetrance estimates, and inheritance mode, an automated score was calculated to assess if this variant is too frequent to cause the disease. Based on the score and internal cut-off values, a variant classified as benign is not then subjected to further curation. The score for this variant resulted in a classification of benign for this disease.

Breakthrough Genomics
Classification: Benign. Review status: criteria provided, single submitter. Criteria: ACMG Guidelines, 2015. Collection method: not provided. Allele origin: germline. Inheritance: Autosomal recessive inheritance. Affected: yes.